The following is an entry in ClinVar:

ClinVar aggregate classification (germline): Uncertain significance (1 of 4 stars; one submission).

Conditions:
Long QT syndrome (LQTS). Identifiers: MedGen C0023976, MeSH D008133, MONDO:0002442. Disease mechanism: loss of function. Inheritance: Various modes of inheritance.

Submission:

Labcorp Genetics (formerly Invitae), Labcorp
Classification: Uncertain significance for Long QT syndrome. Last evaluated: 2023-03-13. Review status: criteria provided, single submitter. Criteria: Invitae Variant Classification Sherloc (09022015). Collection method: clinical testing. Allele origin: germline.
Comment: This variant is not present in population databases (gnomAD no frequency). In summary, the available evidence is currently insufficient to determine the role of this variant in disease. Therefore, it has been classified as a Variant of Uncertain Significance. Advanced modeling of protein sequence and biophysical properties (such as structural, functional, and spatial information, amino acid conservation, physicochemical variation, residue mobility, and thermodynamic stability) performed at Invitae indicates that this missense variant is not expected to disrupt CACNA1C protein function. This variant has not been reported in the literature in individuals affected with CACNA1C-related conditions. This sequence change replaces glutamic acid, which is acidic and polar, with glutamine, which is neutral and polar, at codon 2125 of the CACNA1C protein (p.Glu2125Gln).

NM_000719.7(CACNA1C):c.6373G>C (p.Glu2125Gln)

Genes: CACNA1C (calcium voltage-gated channel subunit alpha1 C; plus strand), CACNA1C-AS1 (CACNA1C antisense RNA 1; minus strand). Cytogenetic location: 12p13.33.
Variant type: single nucleotide variant.
Coding change: c.6373G>C on transcript NM_000719.7 (MANE Select); coding-DNA position 6373, G replaced by C.
Protein change: p.Glu2125Gln; replaces glutamic acid 2125 with glutamine.
Molecular consequence: missense variant. On other transcripts: non-coding transcript variant (1).
Genome position (GRCh38, 1-based): chr12:2,691,155, G>C. VCF-style: chr12-2691155-G-C. GRCh37 (hg19) VCF-style: chr12-2800321-G-C.
Other names: c.6517G>C, p.Glu2173Gln (NM_001129827.2); c.6496G>C, p.Glu2166Gln (NM_001129829.2); c.6478G>C, p.Glu2160Gln (NM_001129830.3, NM_001167624.3); c.6457G>C, p.Glu2153Gln (NM_001129831.2); c.6433G>C, p.Glu2145Gln (NM_001129832.2); c.6430G>C, p.Glu2144Gln (NM_001129833.2, NM_001129834.2, NM_001129835.2); c.6424G>C, p.Glu2142Gln (NM_001129836.2); c.6397G>C, p.Glu2133Gln (NM_001129837.2, NM_001129838.2); and 6 more; short protein forms E2122Q, E2160Q, E2166Q, E2145Q, E2208Q, E2131Q, E2142Q, E2144Q.
Identifiers: ClinVar variation 2845361 (VCV002845361.3), dbSNP rs1556336470, ClinGen allele CA383387681.